The following is an entry in ClinVar:

NM_003907.3(EIF2B5):c.362G>A (p.Arg121Gln)

Gene: EIF2B5 (eukaryotic translation initiation factor 2B subunit epsilon; plus strand). Cytogenetic location: 3q27.1.
Variant type: single nucleotide variant.
Coding change: c.362G>A on transcript NM_003907.3 (MANE Select); coding-DNA position 362, G replaced by A.
Protein change: p.Arg121Gln; replaces arginine 121 with glutamine.
Molecular consequence: missense variant.
Genome position (GRCh38, 1-based): chr3:184,137,661, G>A. VCF-style: chr3-184137661-G-A. GRCh37 (hg19) VCF-style: chr3-183855449-G-A.
Other names: p.Arg121Gln; short protein forms R121Q.
Identifiers: ClinVar variation 899565 (VCV000899565.9), dbSNP rs144443995, ClinGen allele CA2726380.

ClinVar aggregate classification (germline): Uncertain significance. Review status: criteria provided, multiple submitters, no conflicts (2 of 4 stars). 5 submissions from 5 submitters: Uncertain significance (5). Last evaluated 2025-05-08.

Conditions:
Vanishing white matter disease. Also called: CACH syndrome; Childhood ataxia with diffuse central nervous system hypomyelination; Leukoencephalopathy with vanishing white matter; CACH/VWM syndrome; Cree leukoencehalopathy. Identifiers: Orphanet 135, Orphanet 99853, MedGen C1858991, MONDO:0800448.

Allele frequency attached by ClinVar (database versions not stated): gnomAD exomes 0.00029 and 0.00038; ExAC 0.00036; ESP Exome Variant Server 0.00046; 1000 Genomes Project 30x 0.00047; TOPMed 0.00055; gnomAD 0.00056 and 0.00059; 1000 Genomes Project 0.00060.
gnomAD v4.1: 520 of 1,614,210 alleles (0.032%); highest among the groups gnomAD compares: Middle Eastern, 0.16%; no homozygotes.

Submissions (5):

Mayo Clinic Laboratories, Mayo Clinic
Classification: Uncertain significance. Last evaluated: 2025-05-08. Review status: criteria provided, single submitter. Criteria: ACMG Guidelines, 2015. Collection method: clinical testing. Allele origin: germline. Observed: 2 variant alleles.
Comment: BS1

Labcorp Genetics (formerly Invitae), Labcorp
Classification: Uncertain significance. Last evaluated: 2022-10-13. Review status: criteria provided, single submitter. Criteria: Invitae Variant Classification Sherloc (09022015). Collection method: clinical testing. Allele origin: germline.
Comment: This sequence change replaces arginine, which is basic and polar, with glutamine, which is neutral and polar, at codon 121 of the EIF2B5 protein (p.Arg121Gln). This variant is present in population databases (rs144443995, gnomAD 0.1%). This variant has not been reported in the literature in individuals affected with EIF2B5-related conditions. ClinVar contains an entry for this variant (Variation ID: 899565). Advanced modeling of protein sequence and biophysical properties (such as structural, functional, and spatial information, amino acid conservation, physicochemical variation, residue mobility, and thermodynamic stability) performed at Invitae indicates that this missense variant is not expected to disrupt EIF2B5 protein function. In summary, the available evidence is currently insufficient to determine the role of this variant in disease. Therefore, it has been classified as a Variant of Uncertain Significance.

Institute of Human Genetics, University of Leipzig Medical Center
Classification: Uncertain significance for Leukoencephalopathy with vanishing white matter 1. Last evaluated: 2019-01-01. Review status: criteria provided, single submitter. Criteria: ACMG Guidelines, 2015. Collection method: clinical testing. Allele origin: unknown. Affected: yes.

Illumina Laboratory Services, Illumina
Classification: Uncertain significance for Leukoencephalopathy with vanishing white matter 1. Last evaluated: 2018-01-13. Review status: criteria provided, single submitter. Criteria: ICSL Variant Classification Criteria 13 December 2019. Collection method: clinical testing. Allele origin: germline.

Breakthrough Genomics
Classification: Uncertain significance. Review status: criteria provided, single submitter. Criteria: ACMG Guidelines, 2015. Collection method: not provided. Allele origin: germline. Inheritance: Autosomal recessive inheritance. Affected: yes.

Literature cited by the submitters: PubMed 29544907 (cited by Mayo Clinic Laboratories, Mayo Clinic).